The following is an entry in ClinVar:

ClinVar aggregate classification (germline): Uncertain significance (1 of 4 stars; one submission).

Conditions:
Neuropathy, hereditary sensory and autonomic, type 2A (HSAN2A). Also called: ACROOSTEOLYSIS, GIACCAI TYPE; ACROOSTEOLYSIS, NEUROGENIC; MORVAN DISEASE; NEUROPATHY, CONGENITAL SENSORY; NEUROPATHY, HEREDITARY SENSORY RADICULAR, AUTOSOMAL RECESSIVE; NEUROPATHY, HEREDITARY SENSORY, TYPE IIA. Identifiers: Orphanet 970, MedGen C2752089, MONDO:0024309, OMIM 201300.
Pseudohypoaldosteronism type 2C (PHA2C). Also called: Pseudohypoaldosteronism Type IIC. Identifiers: Orphanet 757, Orphanet 88940, MedGen C1840391, MONDO:0013778, OMIM 614492.

Submission:

Labcorp Genetics (formerly Invitae), Labcorp
Classification: Uncertain significance for Neuropathy, hereditary sensory and autonomic, type 2A; Pseudohypoaldosteronism type 2C. Last evaluated: 2025-01-22. Review status: criteria provided, single submitter. Criteria: Invitae Variant Classification Sherloc (09022015). Collection method: clinical testing. Allele origin: germline.
Comment: This sequence change creates a premature translational stop signal (p.Lys767Serfs*73) in the WNK1 gene. However, it is currently unclear if variants that occur in this region of the gene cause disease. This variant is not present in population databases (gnomAD no frequency). This variant has not been reported in the literature in individuals affected with WNK1-related conditions. In summary, the available evidence is currently insufficient to determine the role of this variant in disease. Therefore, it has been classified as a Variant of Uncertain Significance.

NM_213655.5(WNK1):c.2300del (p.Lys767fs)

Gene: WNK1 (WNK lysine deficient protein kinase 1; plus strand). Cytogenetic location: 12p13.33.
Variant type: Deletion.
Coding change: c.2300del on transcript NM_213655.5 (MANE Plus Clinical); coding-DNA position 2300, one base deleted (A; older notation c.2300delA).
Protein change: p.Lys767fs; shifts the reading frame from lysine 767.
Molecular consequence: frameshift variant. On other transcripts: intron variant (3).
Genome position (GRCh38, 1-based): chr12:865,270, A deleted; the last of 4 consecutive A bases (chr12:865,267-865,270); deleting any one gives the same sequence. VCF-style (leftmost placement, unchanged base first): chr12-865266-GA-G. GRCh37 (hg19) VCF-style: chr12-974432-GA-G.
Other names: c.2140-2596del (NM_001184985.2); c.2139+3000del (NM_018979.4, NM_014823.3); short protein forms K767fs.
Identifiers: ClinVar variation 3758560 (VCV003758560.2).